The following is an entry in ClinVar:

NM_000295.5(SERPINA1):c.963T>C (p.Tyr321=)

Gene: SERPINA1 (serpin family A member 1; minus strand). Cytogenetic location: 14q32.13.
Variant type: single nucleotide variant.
Coding change: c.963T>C on transcript NM_000295.5 (MANE Select); coding-DNA position 963, T replaced by C.
Protein change: p.Tyr321=; no amino-acid change (tyrosine 321 retained).
Molecular consequence: synonymous variant.
Genome position (GRCh38, 1-based): chr14:94,379,566, A>G on the plus strand (T>C on the coding strand, the complement: SERPINA1 is on the minus strand). VCF-style: chr14-94379566-A-G. GRCh37 (hg19) VCF-style: chr14-94845903-A-G.
Other names: c.963T>C (NM_000295.4); c.963T>C, p.Tyr321= (NM_001002235.3, NM_001002236.3, NM_001127700.2 and 7 more transcripts).
Identifiers: ClinVar variation 2801126 (VCV002801126.6), dbSNP rs1406922570, ClinGen allele CA487621494.

ClinVar aggregate classification (germline): Likely benign. Review status: criteria provided, multiple submitters, no conflicts (2 of 4 stars). 3 submissions from 3 submitters: Likely benign (2). 1 of the submissions does not count toward it. Last evaluated 2025-11-07.

Conditions:
Alpha-1-antitrypsin deficiency (A1ATD). Also called: Alpha1-Antitrypsin Deficiency; AAT deficiency; A1AT deficiency. Identifiers: Orphanet 60, MedGen C0221757, MONDO:0013282, OMIM 613490.
SERPINA1-related disorder. Also called: SERPINA1-related condition; SerpinA1-related disorders.
Inborn genetic diseases. Identifiers: MedGen C0950123, MeSH D030342.

Submissions (3):

Ambry Genetics
Classification: Likely benign for Inborn genetic diseases. Last evaluated: 2025-11-07. Review status: criteria provided, single submitter. Criteria: Ambry Variant Classification Scheme 2023. Collection method: clinical testing. Allele origin: germline.

Labcorp Genetics (formerly Invitae), Labcorp
Classification: Likely benign for Alpha-1-antitrypsin deficiency. Last evaluated: 2024-01-09. Review status: criteria provided, single submitter. Criteria: Invitae Variant Classification Sherloc (09022015). Collection method: clinical testing. Allele origin: germline.

PreventionGenetics, part of Exact Sciences
Classification: Likely benign for SERPINA1-related condition. Last evaluated: 2020-06-30. Review status: no assertion criteria provided. Collection method: clinical testing. Allele origin: germline. Not counted in ClinVar's aggregate classification.
Comment: This variant is classified as likely benign based on ACMG/AMP sequence variant interpretation guidelines (Richards et al. 2015 PMID: 25741868, with internal and published modifications).